The following is an entry in ClinVar:

ClinVar aggregate classification (germline): Uncertain significance (1 of 4 stars; one submission).

gnomAD v4.1: 22 of 1,613,936 alleles (0.0014%); highest among the groups gnomAD compares: South Asian, 0.0022%; no homozygotes.

Submission:

Labcorp Genetics (formerly Invitae), Labcorp
Classification: Uncertain significance. Last evaluated: 2024-10-28. Review status: criteria provided, single submitter. Criteria: Invitae Variant Classification Sherloc (09022015). Collection method: clinical testing. Allele origin: germline.
Comment: This sequence change replaces arginine, which is basic and polar, with histidine, which is basic and polar, at codon 1414 of the DIP2C protein (p.Arg1414His). This variant is present in population databases (no rsID available, gnomAD 0.003%). This variant has not been reported in the literature in individuals affected with DIP2C-related conditions. An algorithm developed to predict the effect of missense changes on protein structure and function (PolyPhen-2) suggests that this variant is likely to be disruptive. In summary, the available evidence is currently insufficient to determine the role of this variant in disease. Therefore, it has been classified as a Variant of Uncertain Significance.

NM_014974.3(DIP2C):c.4241G>A (p.Arg1414His)

Gene: DIP2C (DIP2 acetate--CoA ligase C (putative); minus strand). Cytogenetic location: 10p15.3.
Variant type: single nucleotide variant.
Coding change: c.4241G>A on transcript NM_014974.3 (MANE Select); coding-DNA position 4241, G replaced by A.
Protein change: p.Arg1414His; replaces arginine 1414 with histidine.
Molecular consequence: missense variant.
Genome position (GRCh38, 1-based): chr10:283,325, C>T on the plus strand (G>A on the coding strand, the complement: DIP2C is on the minus strand). VCF-style: chr10-283325-C-T. GRCh37 (hg19) VCF-style: chr10-329265-C-T.
Other names: short protein forms R1414H.
Identifiers: ClinVar variation 3606642 (VCV003606642.2).